The following is an entry in ClinVar:

NM_015559.3(SETBP1):c.1204A>G (p.Ile402Val)

Gene: SETBP1 (SET binding protein 1; plus strand). Cytogenetic location: 18q12.3.
Variant type: single nucleotide variant.
Coding change: c.1204A>G on transcript NM_015559.3 (MANE Select); coding-DNA position 1204, A replaced by G.
Protein change: p.Ile402Val; replaces isoleucine 402 with valine.
Molecular consequence: missense variant.
Genome position (GRCh38, 1-based): chr18:44,950,544, A>G. VCF-style: chr18-44950544-A-G. GRCh37 (hg19) VCF-style: chr18-42530509-A-G.
Other names: c.1204A>G, p.Ile402Val (NM_001379141.1, NM_001379142.1); short protein forms I402V.
Identifiers: ClinVar variation 1573706 (VCV001573706.17), dbSNP rs775695755, ClinGen allele CA8945577.
Genomic context (GRCh38, chr18:44,950,544, plus strand): 5'-CCAGCCAGGCAGAACGTGAGTTCTGCCAGTAATCCTGAAAATGACTCAAGTCATGTCCGG[A>G]TTACTATCCCCATCAAGGCACCCTCTCTGGATCCAACCAACCATAAGAGGAAAAAAAGAC-3'
Protein context (NP_056374.2, residues 392-412): NPENDSSHVR[Ile402Val]TIPIKAPSLD

ClinVar aggregate classification (germline): Benign/Likely benign. Review status: criteria provided, multiple submitters, no conflicts (2 of 4 stars). 3 submissions from 3 submitters: Benign (1); Likely benign (2). Last evaluated 2025-12-15.

Allele frequency attached by ClinVar (database versions not stated): ExAC 0.00002; gnomAD exomes 0.00010; gnomAD 0.00018 and 0.00019; TOPMed 0.00021.
gnomAD v4.1: 61 of 1,613,962 alleles (0.0038%); highest among the groups gnomAD compares: Admixed American, 0.098%; 1 homozygote.

Submissions (3):

Labcorp Genetics (formerly Invitae), Labcorp
Classification: Benign. Last evaluated: 2025-12-15. Review status: criteria provided, single submitter. Criteria: Invitae Variant Classification Sherloc (09022015). Collection method: clinical testing. Allele origin: germline.

CeGaT Center for Human Genetics Tuebingen
Classification: Likely benign. Last evaluated: 2025-09-01. Review status: criteria provided, single submitter. Criteria: CeGaT Center For Human Genetics Tuebingen Variant Classification Criteria Version 2. Collection method: clinical testing. Allele origin: germline. Affected: yes. Observed: 1 variant allele.
Comment: SETBP1: BS2

GeneDx
Classification: Likely benign. Last evaluated: 2021-11-04. Review status: criteria provided, single submitter. Criteria: GeneDx Variant Classification Process June 2021. Collection method: clinical testing. Allele origin: germline. Affected: yes.
Comment: See Variant Classification Assertion Criteria.